The following is an entry in ClinVar:

ClinVar aggregate classification (germline): Uncertain significance. Review status: criteria provided, multiple submitters, no conflicts (2 of 4 stars). 2 submissions from 2 submitters: Uncertain significance (2). Last evaluated 2025-11-26.

Conditions:
Hypertrophic cardiomyopathy. Also called: HYPERTROPHIC MYOCARDIOPATHY. Identifiers: Orphanet 217569, MedGen C0007194, MeSH D002312, MONDO:0005045, HP:0001639.

Allele frequency attached by ClinVar (database versions not stated): ExAC 0.00001; gnomAD exomes 0.00001 and 0.00002; TOPMed 0.00002; gnomAD 0.00003 and 0.00004.
gnomAD v4.1: 31 of 1,613,814 alleles (0.0019%); highest among the groups gnomAD compares: Non-Finnish European, 0.0024%; no homozygotes.

Submissions (2):

Labcorp Genetics (formerly Invitae), Labcorp
Classification: Uncertain significance for Hypertrophic cardiomyopathy. Last evaluated: 2025-11-26. Review status: criteria provided, single submitter. Criteria: Invitae Variant Classification Sherloc (09022015). Collection method: clinical testing. Allele origin: germline.
Comment: This sequence change replaces valine, which is neutral and non-polar, with glycine, which is neutral and non-polar, at codon 861 of the MYOM1 protein (p.Val861Gly). This variant is present in population databases (rs757989708, gnomAD 0.004%). This variant has not been reported in the literature in individuals affected with MYOM1-related conditions. ClinVar contains an entry for this variant (Variation ID: 581497). An algorithm developed to predict the effect of missense changes on protein structure and function (PolyPhen-2) suggests that this variant is likely to be tolerated. In summary, the available evidence is currently insufficient to determine the role of this variant in disease. Therefore, it has been classified as a Variant of Uncertain Significance.

Ambry Genetics
Classification: Uncertain significance. Last evaluated: 2025-02-06. Review status: criteria provided, single submitter. Criteria: Ambry Variant Classification Scheme 2023. Collection method: clinical testing. Allele origin: germline.
Comment: The p.V861G variant (also known as c.2582T>G), located in coding exon 17 of the MYOM1 gene, results from a T to G substitution at nucleotide position 2582. The valine at codon 861 is replaced by glycine, an amino acid with dissimilar properties. This amino acid position is conserved. In addition, this alteration is predicted to be tolerated by in silico analysis. Since supporting evidence is limited at this time, the clinical significance of this alteration remains unclear.

NM_003803.4(MYOM1):c.2582T>G (p.Val861Gly)

Gene: MYOM1 (myomesin 1; minus strand). Cytogenetic location: 18p11.31.
Variant type: single nucleotide variant.
Coding change: c.2582T>G on transcript NM_003803.4 (MANE Select); coding-DNA position 2582, T replaced by G.
Protein change: p.Val861Gly; replaces valine 861 with glycine.
Molecular consequence: missense variant. On other transcripts: intron variant (1).
Genome position (GRCh38, 1-based): chr18:3,129,444, A>C on the plus strand (T>G on the coding strand, the complement: MYOM1 is on the minus strand). VCF-style: chr18-3129444-A-C. GRCh37 (hg19) VCF-style: chr18-3129442-A-C.
Other names: c.2506+1931T>G (NM_019856.2); short protein forms V861G.
Identifiers: ClinVar variation 581497 (VCV000581497.13), dbSNP rs757989708, ClinGen allele CA8874572.